The following is an entry in ClinVar:

ClinVar aggregate classification (germline): Conflicting classifications of pathogenicity. Review status: criteria provided, conflicting classifications (1 of 4 stars). 3 submissions from 3 submitters: Pathogenic (1); Uncertain significance (2). Last evaluated 2025-09-12.

Conditions:
Asphyxiating thoracic dystrophy 3. Also called: Saldino-Noonan Syndrome; Short rib polydactyly syndrome 2B; SHORT-RIB THORACIC DYSPLASIA 3 WITH OR WITHOUT POLYDACTYLY; POLYDACTYLY WITH NEONATAL CHONDRODYSTROPHY, TYPE I; SHORT-RIB THORACIC DYSPLASIA 3/6 WITH POLYDACTYLY, DIGENIC. Identifiers: Orphanet 474, Orphanet 93269, Orphanet 93270, Orphanet 93271, MedGen C0036069, MONDO:0013127, OMIM 613091.
Jeune thoracic dystrophy. Also called: Jeune syndrome; Infantile thoracic dystrophy; Thoracic pelvic phalangeal dystrophy; Jeune's syndrome; Chondroectodermal dysplasia-like syndrome; Short-rib thoracic dysplasia. Identifiers: Orphanet 474, MedGen C0265275, MONDO:0018770.

Allele frequency attached by ClinVar (database versions not stated): gnomAD exomes below 0.00001.
gnomAD v4.1: 2 of 1,612,926 alleles (0.00012%); highest among the groups gnomAD compares: Non-Finnish European, 0.00017%; no homozygotes.

Submissions (3):

Myriad Genetics, Inc.
Classification: Uncertain significance for Asphyxiating thoracic dystrophy 3. Last evaluated: 2025-09-12. Review status: criteria provided, single submitter. Criteria: Myriad Autosomal Dominant, Autosomal Recessive and X-Linked Classification Criteria (2023). Collection method: clinical testing. Allele origin: unknown.
Comment: NM_001377.2(DYNC2H1):c.940T>C(W314R) is a missense variant classified as a variant of uncertain significance in the context of DYNC2H1-related disorders. W314R has been observed in a case with relevant disease (PMID: 31415973). Relevant functional assessments of this variant are not available in the literature. W314R has not been observed in referenced population frequency databases. In summary, there is insufficient evidence to classify NM_001377.2(DYNC2H1):c.940T>C(W314R) as pathogenic or benign. Please note: this variant was assessed in the context of healthy population screening.

Women's Health and Genetics/Laboratory Corporation of America, LabCorp
Classification: Uncertain significance. Last evaluated: 2025-07-22. Review status: criteria provided, single submitter. Criteria: LabCorp Variant Classification Summary - May 2015. Collection method: clinical testing. Allele origin: germline.
Comment: Variant summary: DYNC2H1 c.940T>C (p.Trp314Arg) results in a non-conservative amino acid change in the encoded protein sequence. Algorithms developed to predict the effect of missense changes on protein structure and function are either unavailable or do not agree on the potential impact of this missense change. The variant was absent in 248700 control chromosomes. c.940T>C has been observed in the presumed compound heterozygous state in at least 2 individual(s) affected with clinical features of Short-rib thoracic dysplasia (example, Zhang_2019, Labcorp Genetics (formerly Invitae)). These data indicate that the variant may be associated with disease. To our knowledge, no experimental evidence demonstrating an impact on protein function has been reported. The following publications have been ascertained in the context of this evaluation (PMID: 31415973, 37091781). ClinVar contains an entry for this variant (Variation ID: 3004262). Based on the evidence outlined above, the variant was classified as VUS-possibly pathogenic.

Labcorp Genetics (formerly Invitae), Labcorp
Classification: Pathogenic for Jeune thoracic dystrophy. Last evaluated: 2025-01-15. Review status: criteria provided, single submitter. Criteria: Invitae Variant Classification Sherloc (09022015). Collection method: clinical testing. Allele origin: germline.
Comment: This sequence change replaces tryptophan, which is neutral and slightly polar, with arginine, which is basic and polar, at codon 314 of the DYNC2H1 protein (p.Trp314Arg). This variant is not present in population databases (gnomAD no frequency). This missense change has been observed in individual(s) with clinical features of short rib-thoracic dysplasia (PMID: 31415973; internal data). In at least one individual the data is consistent with being in trans (on the opposite chromosome) from a pathogenic variant. ClinVar contains an entry for this variant (Variation ID: 3004262). Invitae Evidence Modeling of protein sequence and biophysical properties (such as structural, functional, and spatial information, amino acid conservation, physicochemical variation, residue mobility, and thermodynamic stability) indicates that this missense variant is expected to disrupt DYNC2H1 protein function with a positive predictive value of 95%. For these reasons, this variant has been classified as Pathogenic.

Literature cited by the submitters: PubMed 31415973 (cited by 3 submitters); PubMed 37091781 (cited by Women's Health and Genetics/Laboratory Corporation of America, LabCorp).

NM_001377.3(DYNC2H1):c.940T>C (p.Trp314Arg)

Gene: DYNC2H1 (dynein cytoplasmic 2 heavy chain 1; plus strand). Cytogenetic location: 11q22.3.
Variant type: single nucleotide variant.
Coding change: c.940T>C on transcript NM_001377.3 (MANE Select); coding-DNA position 940, T replaced by C.
Protein change: p.Trp314Arg; replaces tryptophan 314 with arginine.
Molecular consequence: missense variant.
Genome position (GRCh38, 1-based): chr11:103,117,804, T>C. VCF-style: chr11-103117804-T-C. GRCh37 (hg19) VCF-style: chr11-102988533-T-C.
Other names: c.940T>C, p.Trp314Arg (NM_001080463.2); short protein forms W314R.
Identifiers: ClinVar variation 3004262 (VCV003004262.6), dbSNP rs2496801836, ClinGen allele CA382248214.
Genomic context (GRCh38, chr11:103,117,804, plus strand): 5'-TGGGTGATAGTCTGTAATCATCTAACAGGTCAGGTGTGGCAGCGCTATGTTCCTCATCCA[T>C]GGAAAAATGAAAAATATTTTCCAGAAACACTTGACAAACTTGGCAAACGCCTTGAAGAGG-3'
Protein context (NP_001368.2, residues 304-324): QVWQRYVPHP[Trp314Arg]KNEKYFPETL